The following is an entry in ClinVar:

ClinVar aggregate classification (germline): Uncertain significance. Review status: criteria provided, multiple submitters, no conflicts (2 of 4 stars). 2 submissions from 2 submitters: Uncertain significance (2). Last evaluated 2024-11-26.

Conditions:
Inborn genetic diseases. Identifiers: MedGen C0950123, MeSH D030342.

Allele frequency attached by ClinVar (database versions not stated): TOPMed 0.00003; gnomAD 0.00005.
gnomAD v4.1: 9 of 1,522,166 alleles (0.00059%); highest among the groups gnomAD compares: African/African-American, 0.011%; no homozygotes.

Submissions (2):

Ambry Genetics
Classification: Uncertain significance for Inborn genetic diseases. Last evaluated: 2024-11-26. Review status: criteria provided, single submitter. Criteria: Ambry Variant Classification Scheme 2023. Collection method: clinical testing. Allele origin: germline.

GeneDx
Classification: Uncertain significance. Last evaluated: 2022-08-24. Review status: criteria provided, single submitter. Criteria: GeneDx Variant Classification Process June 2021. Collection method: clinical testing. Allele origin: germline. Affected: yes.
Comment: In silico analysis supports that this missense variant has a deleterious effect on protein structure/function; Has not been previously published as pathogenic or benign to our knowledge

NM_006012.4(CLPP):c.169C>G (p.Pro57Ala)

Gene: CLPP (caseinolytic mitochondrial matrix peptidase proteolytic subunit; plus strand). Cytogenetic location: 19p13.3.
Variant type: single nucleotide variant.
Coding change: c.169C>G on transcript NM_006012.4 (MANE Select); coding-DNA position 169, C replaced by G.
Protein change: p.Pro57Ala; replaces proline 57 with alanine.
Molecular consequence: missense variant.
Genome position (GRCh38, 1-based): chr19:6,361,743, C>G. VCF-style: chr19-6361743-C-G. GRCh37 (hg19) VCF-style: chr19-6361754-C-G.
Other names: short protein forms P57A.
Identifiers: ClinVar variation 2430701 (VCV002430701.2), dbSNP rs767455557, ClinGen allele CA9122784.